The following is an entry in ClinVar:

ClinVar aggregate classification (germline): Uncertain significance. Review status: criteria provided, multiple submitters, no conflicts (2 of 4 stars). 2 submissions from 2 submitters: Uncertain significance (2). Last evaluated 2023-12-22.

Conditions:
Hereditary spastic paraplegia 74. Also called: Spastic paraplegia 74, autosomal recessive. Identifiers: Orphanet 468661, MedGen C5568837, MONDO:0014644, OMIM 616451.
Multiple mitochondrial dysfunctions syndrome 3 (MMDS3). Identifiers: Orphanet 363424, MedGen C3809165, MONDO:0014132, OMIM 615330.

Allele frequency attached by ClinVar (database versions not stated): gnomAD 0.00001.
gnomAD v4.1: 7 of 1,588,154 alleles (0.00044%); highest among the groups gnomAD compares: South Asian, 0.008%; no homozygotes.

Submissions (2):

Labcorp Genetics (formerly Invitae), Labcorp
Classification: Uncertain significance for Multiple mitochondrial dysfunctions syndrome 3; Hereditary spastic paraplegia 74. Last evaluated: 2023-12-22. Review status: criteria provided, single submitter. Criteria: Invitae Variant Classification Sherloc (09022015). Collection method: clinical testing. Allele origin: germline.
Comment: This sequence change replaces proline, which is neutral and non-polar, with alanine, which is neutral and non-polar, at codon 348 of the IBA57 protein (p.Pro348Ala). This variant is not present in population databases (gnomAD no frequency). This variant has not been reported in the literature in individuals affected with IBA57-related conditions. ClinVar contains an entry for this variant (Variation ID: 2169224). An algorithm developed to predict the effect of missense changes on protein structure and function (PolyPhen-2) suggests that this variant is likely to be disruptive. In summary, the available evidence is currently insufficient to determine the role of this variant in disease. Therefore, it has been classified as a Variant of Uncertain Significance.

Neuberg Centre For Genomic Medicine, NCGM
Classification: Uncertain significance for Multiple mitochondrial dysfunctions syndrome 3. Review status: criteria provided, single submitter. Criteria: ACMG Guidelines, 2015. Collection method: clinical testing. Allele origin: germline. Inheritance: Autosomal recessive inheritance. Affected: yes.

NM_001010867.4(IBA57):c.1042C>G (p.Pro348Ala)

Gene: IBA57 (iron-sulfur cluster assembly factor IBA57; plus strand). Cytogenetic location: 1q42.13.
Variant type: single nucleotide variant.
Coding change: c.1042C>G on transcript NM_001010867.4 (MANE Select); coding-DNA position 1042, C replaced by G.
Protein change: p.Pro348Ala; replaces proline 348 with alanine.
Molecular consequence: missense variant.
Genome position (GRCh38, 1-based): chr1:228,175,484, C>G. VCF-style: chr1-228175484-C-G. GRCh37 (hg19) VCF-style: chr1-228363185-C-G.
Other names: c.463C>G, p.Pro155Ala (NM_001310327.2); short protein forms P348A, P155A.
Identifiers: ClinVar variation 2169224 (VCV002169224.4), dbSNP rs2035002630, ClinGen allele CA345117366.
Genomic context (GRCh38, chr1:228,175,484, plus strand): 5'-AAGGGTCCTCTGCACATCAGAGCCTCTGAGGGTGCCCAGGTGGCCTTAGCCGCATCTGTG[C>G]CAGACTGGTGGCCTACAGTCTCCAAGTAGTCCGAAGCCTTGGCTGGCGCAGGCTGATGGG-3'
Protein context (NP_001010867.1, residues 338-356): GAQVALAASV[Pro348Ala]DWWPTVSK